The following is an entry in ClinVar:

ClinVar aggregate classification (germline): Pathogenic/Likely pathogenic. Review status: criteria provided, multiple submitters, no conflicts (2 of 4 stars). 2 submissions from 2 submitters: Pathogenic (1); Likely pathogenic (1). Last evaluated 2023-06-09.

Conditions:
ADGRV1-related disorder. Also called: ADGRV1-related condition; ADGRV1-related disorders.

Allele frequency attached by ClinVar (database versions not stated): TOPMed below 0.00001; gnomAD exomes 0.00001.

Submissions (2):

Labcorp Genetics (formerly Invitae), Labcorp
Classification: Pathogenic. Last evaluated: 2023-06-09. Review status: criteria provided, single submitter. Criteria: Invitae Variant Classification Sherloc (09022015). Collection method: clinical testing. Allele origin: germline.
Comment: This variant has not been reported in the literature in individuals affected with ADGRV1-related conditions. For these reasons, this variant has been classified as Pathogenic. This variant is not present in population databases (gnomAD no frequency). This sequence change creates a premature translational stop signal (p.Val5201Glyfs*10) in the ADGRV1 gene. It is expected to result in an absent or disrupted protein product. Loss-of-function variants in ADGRV1 are known to be pathogenic (PMID: 19357117, 22135276, 22147658, 26226137, 30718709, 31047384, 32467589).

Blueprint Genetics
Classification: Likely pathogenic for ADGRV1-related disorders. Last evaluated: 2023-05-16. Review status: criteria provided, single submitter. Criteria: ACMG Guidelines, 2015. Collection method: clinical testing. Allele origin: germline. Affected: yes. Observed: 1 variant allele.

Literature cited by the submitters: PubMed 19357117 (cited by Labcorp Genetics (formerly Invitae), Labcorp); PubMed 22135276 (cited by Labcorp Genetics (formerly Invitae), Labcorp); PubMed 22147658 (cited by Labcorp Genetics (formerly Invitae), Labcorp); PubMed 26226137 (cited by Labcorp Genetics (formerly Invitae), Labcorp); PubMed 30718709 (cited by Labcorp Genetics (formerly Invitae), Labcorp); PubMed 31047384 (cited by Labcorp Genetics (formerly Invitae), Labcorp); PubMed 32467589 (cited by Labcorp Genetics (formerly Invitae), Labcorp).

NM_032119.4(ADGRV1):c.15602del (p.Val5201fs)

Gene: ADGRV1 (adhesion G protein-coupled receptor V1; plus strand). Cytogenetic location: 5q14.3.
Variant type: Deletion.
Coding change: c.15602del on transcript NM_032119.4 (MANE Select); coding-DNA position 15602, one base deleted (T; older notation c.15602delT).
Protein change: p.Val5201fs; shifts the reading frame from valine 5201.
Molecular consequence: frameshift variant. On other transcripts: non-coding transcript variant (1).
Genome position (GRCh38, 1-based): chr5:90,810,862, T deleted. VCF-style (leftmost placement, unchanged base first): chr5-90810861-GT-G. GRCh37 (hg19) VCF-style: chr5-90106678-GT-G.
Other names: short protein forms V5201fs.
Identifiers: ClinVar variation 2993346 (VCV002993346.4), dbSNP rs1762375256, ClinGen allele CA1562911559.